The following is an entry in ClinVar:

ClinVar aggregate classification (germline): Uncertain significance (1 of 4 stars; one submission).

Submission:

GeneDx
Classification: Uncertain significance. Last evaluated: 2025-08-12. Review status: criteria provided, single submitter. Criteria: GeneDx Variant Classification Process June 2021. Collection method: clinical testing. Allele origin: germline. Affected: yes.
Comment: Not observed at significant frequency in large population cohorts (gnomAD); In silico analysis supports a deleterious effect on protein structure/function; Has not been previously published as pathogenic or benign to our knowledge

NM_014727.3(KMT2B):c.5062_5064delinsGAT (p.Leu1688Asp)

Gene: KMT2B (lysine methyltransferase 2B; plus strand). Cytogenetic location: 19q13.12.
Variant type: Indel.
Coding change: c.5062_5064delinsGAT on transcript NM_014727.3 (MANE Select); coding-DNA positions 5062 to 5064, CTC replaced by GAT.
Protein change: p.Leu1688Asp; replaces leucine 1688 with aspartic acid.
Molecular consequence: missense variant.
Genome position (GRCh38, 1-based): chr19:35,730,111-35,730,113, CTC replaced by GAT. VCF-style: chr19-35730111-CTC-GAT. GRCh37 (hg19) VCF-style: chr19-36221012-CTC-GAT.
Other names: short protein forms L1688D.
Identifiers: ClinVar variation 4795288 (VCV004795288.1).